The following is an entry in ClinVar:

NM_004994.3(MMP9):c.1196C>T (p.Ala399Val)

Gene: MMP9 (matrix metallopeptidase 9; plus strand). Cytogenetic location: 20q13.12.
Variant type: single nucleotide variant.
Coding change: c.1196C>T on transcript NM_004994.3 (MANE Select); coding-DNA position 1196, C replaced by T.
Protein change: p.Ala399Val; replaces alanine 399 with valine.
Molecular consequence: missense variant.
Genome position (GRCh38, 1-based): chr20:46,012,448, C>T. VCF-style: chr20-46012448-C-T. GRCh37 (hg19) VCF-style: chr20-44641087-C-T.
Other names: short protein forms A399V.
Identifiers: ClinVar variation 1365363 (VCV001365363.6), dbSNP rs200590350, ClinGen allele CA9886665.
Genomic context (GRCh38, chr20:46,012,448, plus strand): 5'-CGGCCCGGCGCTCACGTCTCAGGCTCCCTCTCCCTCCAGGATACAGTTTGTTCCTCGTGG[C>T]GGCGCATGAGTTCGGCCACGCGCTGGGCTTAGATCATTCCTCAGTGCCGGAGGCGCTCAT-3'
Protein context (NP_004985.2, residues 389-409): PDQGYSLFLV[Ala399Val]AHEFGHALGL

ClinVar aggregate classification (germline): Uncertain significance (1 of 4 stars; one submission).

Allele frequency attached by ClinVar (database versions not stated): gnomAD 0.00001; ExAC 0.00002; gnomAD exomes 0.00003; TOPMed 0.00003.
gnomAD v4.1: 39 of 1,614,026 alleles (0.0024%); highest among the groups gnomAD compares: Middle Eastern, 0.016%; no homozygotes.

Submission:

Labcorp Genetics (formerly Invitae), Labcorp
Classification: Uncertain significance. Last evaluated: 2024-11-03. Review status: criteria provided, single submitter. Criteria: Invitae Variant Classification Sherloc (09022015). Collection method: clinical testing. Allele origin: germline.
Comment: This sequence change replaces alanine, which is neutral and non-polar, with valine, which is neutral and non-polar, at codon 399 of the MMP9 protein (p.Ala399Val). This variant is present in population databases (rs200590350, gnomAD 0.006%). This variant has not been reported in the literature in individuals affected with MMP9-related conditions. ClinVar contains an entry for this variant (Variation ID: 1365363). Invitae Evidence Modeling of protein sequence and biophysical properties (such as structural, functional, and spatial information, amino acid conservation, physicochemical variation, residue mobility, and thermodynamic stability) has been performed for this missense variant. However, the output from this modeling did not meet the statistical confidence thresholds required to predict the impact of this variant on MMP9 protein function. In summary, the available evidence is currently insufficient to determine the role of this variant in disease. Therefore, it has been classified as a Variant of Uncertain Significance.